The following is an entry in ClinVar:

ClinVar aggregate classification (germline): Likely benign (1 of 4 stars; one submission).

Conditions:
Autosomal recessive polycystic kidney disease (ARPKD). Also called: AR polycystic kidney disease. Identifiers: Orphanet 731, Orphanet 8378, MedGen C0085548, MeSH D017044, MONDO:0009889.

Allele frequency attached by ClinVar (database versions not stated): 1000 Genomes Project 30x 0.00781; 1000 Genomes Project 0.00839; TOPMed 0.01436; gnomAD 0.01438 and 0.01441; gnomAD exomes 0.01618.
gnomAD v4.1: 2,251 of 154,006 alleles (1.5%); highest among the groups gnomAD compares: Middle Eastern, 5.4%; 33 homozygotes.

Submission:

Illumina Laboratory Services, Illumina
Classification: Likely benign for Polycystic kidney disease 4. Last evaluated: 2018-01-13. Review status: criteria provided, single submitter. Criteria: ICSL Variant Classification Criteria 13 December 2019. Collection method: clinical testing. Allele origin: germline.
Comment: This variant was observed in the ICSL laboratory as part of a predisposition screen in an ostensibly healthy population. It had not been previously curated by ICSL or reported in the Human Gene Mutation Database (HGMD: prior to June 1st, 2018), and was therefore a candidate for classification through an automated scoring system. Utilizing variant allele frequency, disease prevalence and penetrance estimates, and inheritance mode, an automated score was calculated to assess if this variant is too frequent to cause the disease. Based on the score and internal cut-off values, a variant classified as likely benign is not then subjected to further curation. The score for this variant resulted in a classification of likely benign for this disease.

NM_138694.4(PKHD1):c.*636C>A

Gene: PKHD1 (PKHD1 ciliary IPT domain containing fibrocystin/polyductin; minus strand). Cytogenetic location: 6p12.3.
Variant type: single nucleotide variant.
Coding change: c.*636C>A on transcript NM_138694.4 (MANE Select); 636 bases downstream of the stop codon, C replaced by A.
Molecular consequence: 3 prime UTR variant.
Genome position (GRCh38, 1-based): chr6:51,618,445, G>T on the plus strand (C>A on the coding strand, the complement: PKHD1 is on the minus strand). VCF-style: chr6-51618445-G-T. GRCh37 (hg19) VCF-style: chr6-51483243-G-T.
Identifiers: ClinVar variation 357397 (VCV000357397.5), dbSNP rs41273718, ClinGen allele CA10624392.